The following is an entry in ClinVar:

ClinVar aggregate classification (germline): Uncertain significance. Review status: criteria provided, multiple submitters, no conflicts (2 of 4 stars). 2 submissions from 2 submitters: Uncertain significance (2). Last evaluated 2026-07-02.

Conditions:
Hereditary cancer-predisposing syndrome. Also called: Hereditary Cancer Syndrome; Tumor predisposition; Hereditary neoplastic syndrome; Neoplastic Syndromes, Hereditary. Identifiers: Orphanet 140162, MedGen C0027672, MeSH D009386, MONDO:0015356.
Tuberous sclerosis 2 (TSC2). Identifiers: Orphanet 805, MedGen C1860707, MONDO:0013199, OMIM 613254.

Submissions (2):

Ambry Genetics
Classification: Uncertain significance for Hereditary cancer-predisposing syndrome. Last evaluated: 2026-07-02. Review status: criteria provided, single submitter. Criteria: Ambry Variant Classification Scheme 2023. Collection method: clinical testing. Allele origin: germline.
Comment: The p.N958D variant (also known as c.2872A>G), located in coding exon 25 of the TSC2 gene, results from an A to G substitution at nucleotide position 2872. The asparagine at codon 958 is replaced by aspartic acid, an amino acid with highly similar properties. This amino acid position is conserved. In addition, the in silico prediction for this alteration is inconclusive. Based on the available evidence, the clinical significance of this variant remains unclear.

Labcorp Genetics (formerly Invitae), Labcorp
Classification: Uncertain significance for Tuberous sclerosis 2. Last evaluated: 2018-03-18. Review status: criteria provided, single submitter. Criteria: Invitae Variant Classification Sherloc (09022015). Collection method: clinical testing. Allele origin: germline.
Comment: This sequence change replaces asparagine with aspartic acid at codon 958 of the TSC2 protein (p.Asn958Asp). The asparagine residue is moderately conserved and there is a small physicochemical difference between asparagine and aspartic acid. This variant is not present in population databases (ExAC no frequency). This variant has not been reported in the literature in individuals with TSC2-related disease. Algorithms developed to predict the effect of missense changes on protein structure and function (SIFT, PolyPhen-2, Align-GVGD) all suggest that this variant is likely to be tolerated, but these predictions have not been confirmed by published functional studies and their clinical significance is uncertain. In summary, the available evidence is currently insufficient to determine the role of this variant in disease. Therefore, it has been classified as a Variant of Uncertain Significance.

NM_000548.5(TSC2):c.2872A>G (p.Asn958Asp)

Gene: TSC2 (TSC complex subunit 2; plus strand). Cytogenetic location: 16p13.3.
Variant type: single nucleotide variant.
Coding change: c.2872A>G on transcript NM_000548.5 (MANE Select); coding-DNA position 2872, A replaced by G.
Protein change: p.Asn958Asp; replaces asparagine 958 with aspartic acid.
Molecular consequence: missense variant. On other transcripts: intron variant (9).
Genome position (GRCh38, 1-based): chr16:2,077,632, A>G. VCF-style: chr16-2077632-A-G. GRCh37 (hg19) VCF-style: chr16-2127633-A-G.
Other names: c.2837+1047A>G (NM_001077183.3, NM_021055.3, NM_001370405.1 and 2 more transcripts); c.2726+1047A>G (NM_001318827.2); c.2237+1047A>G (NM_001318831.2); c.2690+1047A>G (NM_001318829.2); c.2870+1047A>G (NM_001318832.2); c.2872A>G, p.Asn958Asp (NM_001114382.3); short protein forms N958D.
Identifiers: ClinVar variation 568241 (VCV000568241.9), dbSNP rs1567490706, ClinGen allele CA394280959.